The following is an entry in ClinVar:

ClinVar aggregate classification (germline): Benign/Likely benign. Review status: criteria provided, multiple submitters, no conflicts (2 of 4 stars). 5 submissions from 5 submitters: Benign (2); Likely benign (3). Last evaluated 2026-01-01.

Conditions:
Spastic paraplegia. Identifiers: MedGen C0037772, HP:0001258.

Allele frequency attached by ClinVar (database versions not stated): ESP Exome Variant Server 0.00008; TOPMed 0.00012; gnomAD 0.00014 and 0.00015; 1000 Genomes Project 30x 0.00016; 1000 Genomes Project 0.00020; ExAC 0.00021; gnomAD exomes 0.00024 and 0.00025.
gnomAD v4.1: 390 of 1,611,134 alleles (0.024%); highest among the groups gnomAD compares: South Asian, 0.056%; 4 homozygotes.

Submissions (5):

CeGaT Center for Human Genetics Tuebingen
Classification: Likely benign. Last evaluated: 2026-01-01. Review status: criteria provided, single submitter. Criteria: CeGaT Center For Human Genetics Tuebingen Variant Classification Criteria Version 2. Collection method: clinical testing. Allele origin: germline. Affected: yes. Observed: 2 variant alleles.
Comment: CYP2U1: BP4, BP7

Laboratory of Genetics, Children's Clinical University Hospital Latvia
Classification: Benign. Last evaluated: 2025-02-16. Review status: criteria provided, single submitter. Criteria: ACMG Guidelines, 2015. Collection method: clinical testing. Allele origin: germline. Affected: yes.

Labcorp Genetics (formerly Invitae), Labcorp
Classification: Benign for Spastic paraplegia. Last evaluated: 2024-11-05. Review status: criteria provided, single submitter. Criteria: Invitae Variant Classification Sherloc (09022015). Collection method: clinical testing. Allele origin: germline.

Blueprint Genetics
Classification: Likely benign. Last evaluated: 2024-10-18. Review status: criteria provided, single submitter. Criteria: ACMG Guidelines, 2015. Collection method: clinical testing. Allele origin: germline.

GeneDx
Classification: Likely benign. Last evaluated: 2017-07-20. Review status: criteria provided, single submitter. Criteria: GeneDx Variant Classification (06012015). Collection method: clinical testing. Allele origin: germline. Affected: yes.
Comment: This variant is considered likely benign or benign based on one or more of the following criteria: it is a conservative change, it occurs at a poorly conserved position in the protein, it is predicted to be benign by multiple in silico algorithms, and/or has population frequency not consistent with disease.

NM_183075.3(CYP2U1):c.1377G>A (p.Pro459=)

Gene: CYP2U1 (cytochrome P450 family 2 subfamily U member 1; plus strand). Cytogenetic location: 4q25.
Variant type: single nucleotide variant.
Coding change: c.1377G>A on transcript NM_183075.3 (MANE Select); coding-DNA position 1377, G replaced by A.
Protein change: p.Pro459=; no amino-acid change (proline 459 retained).
Molecular consequence: synonymous variant.
Genome position (GRCh38, 1-based): chr4:107,949,438, G>A. VCF-style: chr4-107949438-G-A. GRCh37 (hg19) VCF-style: chr4-108870594-G-A.
Identifiers: ClinVar variation 510917 (VCV000510917.33), dbSNP rs138472735, ClinGen allele CA3037192.
Genomic context (GRCh38, chr4:107,949,438, plus strand): 5'-CACATTGATCTTACCCAACCTGTGGTCAGTACATAGAGACCCAGCCATTTGGGAGAAACC[G>A]GAGGATTTCTACCCTAATCGATTTCTGGATGACCAAGGACAACTAATTAAAAAAGAAACC-3'
Protein context (NP_898898.1, residues 449-469): VHRDPAIWEK[Pro459=]EDFYPNRFLD